The following is an entry in ClinVar:

ClinVar aggregate classification (germline): Uncertain significance (1 of 4 stars; one submission).

gnomAD v4.1: 1 of 1,614,052 alleles (0.000062%); highest among the groups gnomAD compares: East Asian, 0.0022%; no homozygotes.

Submission:

Ambry Genetics
Classification: Uncertain significance. Last evaluated: 2026-06-04. Review status: criteria provided, single submitter. Criteria: Ambry Variant Classification Scheme 2023. Collection method: clinical testing. Allele origin: germline.
Comment: The p.V783A variant (also known as c.2348T>C), located in coding exon 9 of the RNF43 gene, results from a T to C substitution at nucleotide position 2348. The valine at codon 783 is replaced by alanine, an amino acid with similar properties. This amino acid position is conserved. In addition, this alteration is predicted to be tolerated by in silico analysis. Based on the available evidence, the clinical significance of this variant remains unclear.

NM_017763.6(RNF43):c.2348T>C (p.Val783Ala)

Gene: RNF43 (ring finger protein 43; minus strand). Cytogenetic location: 17q22.
Variant type: single nucleotide variant.
Coding change: c.2348T>C on transcript NM_017763.6 (MANE Select); coding-DNA position 2348, T replaced by C.
Protein change: p.Val783Ala; replaces valine 783 with alanine.
Molecular consequence: missense variant.
Genome position (GRCh38, 1-based): chr17:58,354,947, A>G on the plus strand (T>C on the coding strand, the complement: RNF43 is on the minus strand). VCF-style: chr17-58354947-A-G. GRCh37 (hg19) VCF-style: chr17-56432308-A-G.
Other names: c.2348T>C, p.Val783Ala (NM_001305544.3, NM_001438822.1); c.1967T>C, p.Val656Ala (NM_001305545.2); short protein forms V656A, V783A.
Identifiers: ClinVar variation 4863432 (VCV004863432.1).